The following is an entry in ClinVar:

ClinVar aggregate classification (germline): Uncertain significance (1 of 4 stars; one submission).

Allele frequency attached by ClinVar (database versions not stated): ExAC 0.00001; gnomAD 0.00001; gnomAD exomes 0.00001.
gnomAD v4.1: 8 of 1,614,012 alleles (0.0005%); highest among the groups gnomAD compares: Non-Finnish European, 0.00068%; no homozygotes.

Submission:

Labcorp Genetics (formerly Invitae), Labcorp
Classification: Uncertain significance. Last evaluated: 2024-07-22. Review status: criteria provided, single submitter. Criteria: Invitae Variant Classification Sherloc (09022015). Collection method: clinical testing. Allele origin: germline.
Comment: This sequence change replaces lysine, which is basic and polar, with glutamic acid, which is acidic and polar, at codon 80 of the MICAL1 protein (p.Lys80Glu). This variant is present in population databases (rs773666917, gnomAD 0.0009%). This variant has not been reported in the literature in individuals affected with MICAL1-related conditions. An algorithm developed to predict the effect of missense changes on protein structure and function (PolyPhen-2) suggests that this variant is likely to be disruptive. In summary, the available evidence is currently insufficient to determine the role of this variant in disease. Therefore, it has been classified as a Variant of Uncertain Significance.

NM_022765.4(MICAL1):c.181A>G (p.Lys61Glu)

Gene: MICAL1 (microtubule associated monooxygenase, calponin and LIM domain containing 1; minus strand). Cytogenetic location: 6q21.
Variant type: single nucleotide variant.
Coding change: c.181A>G on transcript NM_022765.4 (MANE Select); coding-DNA position 181, A replaced by G.
Protein change: p.Lys61Glu; replaces lysine 61 with glutamic acid.
Molecular consequence: missense variant.
Genome position (GRCh38, 1-based): chr6:109,454,016, T>C on the plus strand (A>G on the coding strand, the complement: MICAL1 is on the minus strand). VCF-style: chr6-109454016-T-C. GRCh37 (hg19) VCF-style: chr6-109775219-T-C.
Other names: c.181A>G, p.Lys61Glu (NM_001159291.2); c.238A>G, p.Lys80Glu (NM_001286613.2); short protein forms K80E, K61E.
Identifiers: ClinVar variation 2825836 (VCV002825836.3), dbSNP rs773666917, ClinGen allele CA3953882.